The following is an entry in ClinVar:

NM_001114753.3(ENG):c.991+1G>C

Gene: ENG (endoglin; minus strand). Cytogenetic location: 9q34.11.
Variant type: single nucleotide variant.
Coding change: c.991+1G>C on transcript NM_001114753.3 (MANE Select); the canonical splice donor site of the intron after coding-DNA position 991, G replaced by C.
Molecular consequence: splice donor variant.
Genome position (GRCh38, 1-based): chr9:127,824,799, C>G on the plus strand (G>C on the coding strand, the complement: ENG is on the minus strand). VCF-style: chr9-127824799-C-G. GRCh37 (hg19) VCF-style: chr9-130587078-C-G.
Other names: c.991+1G>C (NM_000118.4, NM_001406715.1); c.445+1G>C (NM_001278138.2).
Identifiers: ClinVar variation 1768592 (VCV001768592.4), dbSNP rs2539072627, ClinGen allele CA374981852.

ClinVar aggregate classification (germline): Pathogenic. Review status: criteria provided, multiple submitters, no conflicts (2 of 4 stars). 3 submissions from 3 submitters: Pathogenic (3). Last evaluated 2025-12-14.

Conditions:
Cardiovascular phenotype. Identifiers: MedGen CN230736.
Hereditary hemorrhagic telangiectasia (HHT). Also called: ORW DISEASE; Osler Weber Rendu syndrome; OSLER-RENDU-WEBER DISEASE; Osler hemorrhagic telangiectasia syndrome. Identifiers: Orphanet 774, MedGen C0039445, MONDO:0019180. Disease mechanism: loss of function.

Submissions (3):

Labcorp Genetics (formerly Invitae), Labcorp
Classification: Pathogenic for Hereditary hemorrhagic telangiectasia. Last evaluated: 2025-12-14. Review status: criteria provided, single submitter. Criteria: Invitae Variant Classification Sherloc (09022015). Collection method: clinical testing. Allele origin: germline.
Comment: This sequence change affects a donor splice site in intron 7 of the ENG gene. It is expected to disrupt RNA splicing. Variants that disrupt the donor or acceptor splice site typically lead to a loss of protein function (PMID: 16199547), and loss-of-function variants in ENG are known to be pathogenic (PMID: 15879500). This variant is not present in population databases (gnomAD no frequency). Disruption of this splice site has been observed in individuals with hereditary hemorrhagic telangiectasia (PMID: 16752392; internal data). ClinVar contains an entry for this variant (Variation ID: 1768592). Algorithms developed to predict the effect of sequence changes on RNA splicing suggest that this variant may disrupt the consensus splice site. For these reasons, this variant has been classified as Pathogenic.

GeneDx
Classification: Pathogenic. Last evaluated: 2025-06-18. Review status: criteria provided, single submitter. Criteria: GeneDx Variant Classification Process June 2021. Collection method: clinical testing. Allele origin: germline. Affected: yes.
Comment: Canonical splice site variant predicted to result in a null allele in a gene for which loss of function is a known mechanism of disease; Not observed at significant frequency in large population cohorts (gnomAD); Has not been previously published as pathogenic or benign to our knowledge

Ambry Genetics
Classification: Pathogenic for Cardiovascular phenotype. Last evaluated: 2018-10-31. Review status: criteria provided, single submitter. Criteria: Ambry Variant Classification Scheme 2023. Collection method: clinical testing. Allele origin: germline.
Comment: The c.991+1G>C intronic pathogenic mutation results from a G to C substitution one nucleotide after coding exon 7 of the ENG gene. In addition, alterations that disrupt the canonical splice site are expected to cause aberrant splicing, resulting in an abnormal protein or a transcript that is subject to nonsense-mediated mRNA decay. As such, this alteration is classified as pathogenic.

Literature cited by the submitters: PubMed 16199547 (cited by Labcorp Genetics (formerly Invitae), Labcorp); PubMed 15879500 (cited by Labcorp Genetics (formerly Invitae), Labcorp); PubMed 16752392 (cited by Labcorp Genetics (formerly Invitae), Labcorp).